The following is an entry in ClinVar:

ClinVar aggregate classification (germline): Likely benign (1 of 4 stars; one submission).

Conditions:
Breast-ovarian cancer, familial, susceptibility to, 2 (BROVCA2). Also called: BRCA2 Hereditary Breast and Ovarian Cancer. Identifiers: Orphanet 145, MedGen C2675520, MONDO:0012933, OMIM 612555. Disease mechanism: loss of function.

gnomAD v4.1: 1 of 1,614,022 alleles (0.000062%); highest among the groups gnomAD compares: South Asian, 0.0011%; no homozygotes.

Submission:

Cancer Bioinformatics and Tumour Evolution Laboratory, Monash University
Classification: Likely benign for Breast-ovarian cancer, familial, susceptibility to, 2. Last evaluated: 2026-05-01. Review status: criteria provided, single submitter. Criteria: ClinGen BRCA1 and BRCA2 Guidelines, 2024. Collection method: curation. Allele origin: germline. Inheritance: Autosomal dominant inheritance.
Comment: Missense variant outside of a functional domain with no splice impact. BRCA1 and BRCA2 VCEP guidelines recommend application of BP1_Strong (PMID: 39142283)

NM_000059.4(BRCA2):c.7172A>G (p.Glu2391Gly)

Gene: BRCA2 (BRCA2 DNA repair associated; plus strand). Cytogenetic location: 13q13.1.
Variant type: single nucleotide variant.
Coding change: c.7172A>G on transcript NM_000059.4 (MANE Select); coding-DNA position 7172, A replaced by G.
Protein change: p.Glu2391Gly; replaces glutamic acid 2391 with glycine.
Molecular consequence: missense variant. On other transcripts: non-coding transcript variant (1).
Genome position (GRCh38, 1-based): chr13:32,355,025, A>G. VCF-style: chr13-32355025-A-G. GRCh37 (hg19) VCF-style: chr13-32929162-A-G.
Other names: c.7076A>G, p.Glu2359Gly (NM_001406719.1); c.7172A>G, p.Glu2391Gly (NM_001406720.1, NM_001432077.1); c.2240A>G, p.Glu747Gly (NM_001406721.1); c.755A>G, p.Glu252Gly (NM_001406722.1); short protein forms E2359G, E2391G, E252G, E747G.
Identifiers: ClinVar variation 4856443 (VCV004856443.1).